The following is an entry in ClinVar:

ClinVar aggregate classification (germline): Uncertain significance (1 of 4 stars; one submission).

Conditions:
Developmental and epileptic encephalopathy, 2 (DEE2). Also called: INFANTILE SPASM SYNDROME, X-LINKED 2; CDKL5 deficiency disorder. Identifiers: Orphanet 1934, Orphanet 3451, Orphanet 505652, MedGen C4750718, MONDO:0010396, OMIM 300672.
Angelman syndrome-like. Identifiers: MedGen CN128785.

Submission:

Labcorp Genetics (formerly Invitae), Labcorp
Classification: Uncertain significance for Developmental and epileptic encephalopathy, 2; Angelman syndrome-like. Last evaluated: 2022-04-23. Review status: criteria provided, single submitter. Criteria: Invitae Variant Classification Sherloc (09022015). Collection method: clinical testing. Allele origin: germline.
Comment: Advanced modeling of protein sequence and biophysical properties (such as structural, functional, and spatial information, amino acid conservation, physicochemical variation, residue mobility, and thermodynamic stability) performed at Invitae indicates that this missense variant is not expected to disrupt CDKL5 protein function. In summary, the available evidence is currently insufficient to determine the role of this variant in disease. Therefore, it has been classified as a Variant of Uncertain Significance. This variant has not been reported in the literature in individuals affected with CDKL5-related conditions. This variant is not present in population databases (gnomAD no frequency). This sequence change replaces arginine, which is basic and polar, with isoleucine, which is neutral and non-polar, at codon 1000 of the CDKL5 protein (p.Arg1000Ile).

NC_000023.11:g.18653450G>T

Genes: CDKL5 (cyclin dependent kinase like 5; plus strand), RS1 (retinoschisin 1; minus strand). Cytogenetic location: Xp22.13.
Variant type: single nucleotide variant.
Molecular consequence: intron variant (on NM_000330.4). On other transcripts: missense variant (2).
Genome position: GRCh38 VCF-style: chrX-18653450-G-T. GRCh37 (hg19) VCF-style: chrX-18671570-G-T.
Other names: c.2999G>T, p.Arg1000Ile (NM_001037343.2, NM_003159.3); c.184+3203C>A (NM_000330.4); short protein forms R1000I.
Identifiers: ClinVar variation 2072083 (VCV002072083.4), dbSNP rs766531184, ClinGen allele CA412374390.